The following is an entry in ClinVar:

ClinVar aggregate classification (germline): Uncertain significance. Review status: criteria provided, multiple submitters, no conflicts (2 of 4 stars). 2 submissions from 2 submitters: Uncertain significance (2). Last evaluated 2025-07-28.

Conditions:
Cardiovascular phenotype. Identifiers: MedGen CN230736.
Hereditary cancer-predisposing syndrome. Also called: Hereditary neoplastic syndrome; Tumor predisposition; Neoplastic Syndromes, Hereditary; Hereditary Cancer Syndrome. Identifiers: Orphanet 140162, MedGen C0027672, MeSH D009386, MONDO:0015356.
Neurofibromatosis, type 1 (NF1). Also called: Peripheral type neurofibromatosis; VON RECKLINGHAUSEN DISEASE; NEUROFIBROMATOSIS, TYPE I, SOMATIC; Neurofibromatosis, type I. Identifiers: Orphanet 636, MedGen C0027831, MONDO:0018975, OMIM 162200. Disease mechanism: loss of function.

gnomAD v4.1: 1 of 1,614,152 alleles (0.000062%); highest among the groups gnomAD compares: Non-Finnish European, 0.000085%; no homozygotes.

Submissions (2):

Ambry Genetics
Classification: Uncertain significance for Cardiovascular phenotype; Hereditary cancer-predisposing syndrome. Last evaluated: 2025-07-28. Review status: criteria provided, single submitter. Criteria: Ambry Variant Classification Scheme 2023. Collection method: clinical testing. Allele origin: germline.
Comment: The p.F1357V variant (also known as c.4069T>G), located in coding exon 30 of the NF1 gene, results from a T to G substitution at nucleotide position 4069. The phenylalanine at codon 1357 is replaced by valine, an amino acid with highly similar properties. This amino acid position is conserved. In addition, this alteration is predicted to be deleterious by in silico analysis. Based on the available evidence, the clinical significance of this variant remains unclear.

Labcorp Genetics (formerly Invitae), Labcorp
Classification: Uncertain significance for Neurofibromatosis, type 1. Last evaluated: 2024-07-15. Review status: criteria provided, single submitter. Criteria: Invitae Variant Classification Sherloc (09022015). Collection method: clinical testing. Allele origin: germline.
Comment: This sequence change replaces phenylalanine, which is neutral and non-polar, with valine, which is neutral and non-polar, at codon 1357 of the NF1 protein (p.Phe1357Val). This variant is not present in population databases (gnomAD no frequency). This variant has not been reported in the literature in individuals affected with NF1-related conditions. ClinVar contains an entry for this variant (Variation ID: 1717848). Advanced modeling of protein sequence and biophysical properties (such as structural, functional, and spatial information, amino acid conservation, physicochemical variation, residue mobility, and thermodynamic stability) performed at Invitae indicates that this missense variant is expected to disrupt NF1 protein function with a positive predictive value of 95%. In summary, the available evidence is currently insufficient to determine the role of this variant in disease. Therefore, it has been classified as a Variant of Uncertain Significance.

NM_001042492.3(NF1):c.4069T>G (p.Phe1357Val)

Gene: NF1 (neurofibromin 1; plus strand). Cytogenetic location: 17q11.2.
Variant type: single nucleotide variant.
Coding change: c.4069T>G on transcript NM_001042492.3 (MANE Select); coding-DNA position 4069, T replaced by G.
Protein change: p.Phe1357Val; replaces phenylalanine 1357 with valine.
Molecular consequence: missense variant.
Genome position (GRCh38, 1-based): chr17:31,249,078, T>G. VCF-style: chr17-31249078-T-G. GRCh37 (hg19) VCF-style: chr17-29576096-T-G.
Other names: c.4069T>G, p.Phe1357Val (NM_000267.4); short protein forms F1357V.
Identifiers: ClinVar variation 1717848 (VCV001717848.6), dbSNP rs1207255352, ClinGen allele CA398995019.